The following is an entry in ClinVar:

ClinVar aggregate classification (germline): Uncertain significance (1 of 4 stars; one submission).

Conditions:
Neurofibromatosis, type 1 (NF1). Also called: VON RECKLINGHAUSEN DISEASE; NEUROFIBROMATOSIS, TYPE I, SOMATIC; Peripheral type neurofibromatosis; Neurofibromatosis, type I. Identifiers: Orphanet 636, MedGen C0027831, MONDO:0018975, OMIM 162200. Disease mechanism: loss of function.

Allele frequency attached by ClinVar (database versions not stated): gnomAD exomes below 0.00001; ExAC 0.00001.
gnomAD v4.1: 1 of 1,611,926 alleles (0.000062%); highest among the groups gnomAD compares: Non-Finnish European, 0.000085%; no homozygotes.

Submission:

Labcorp Genetics (formerly Invitae), Labcorp
Classification: Uncertain significance for Neurofibromatosis, type 1. Last evaluated: 2019-08-07. Review status: criteria provided, single submitter. Criteria: Invitae Variant Classification Sherloc (09022015). Collection method: clinical testing. Allele origin: germline.
Comment: This sequence change replaces methionine with leucine at codon 840 of the NF1 protein (p.Met840Leu). The methionine residue is moderately conserved and there is a small physicochemical difference between methionine and leucine. This variant is present in population databases (rs779931789, ExAC 0.002%). This variant has not been reported in the literature in individuals with NF1-related conditions. Algorithms developed to predict the effect of missense changes on protein structure and function are either unavailable or do not agree on the potential impact of this missense change (SIFT: "Tolerated"; PolyPhen-2: "Possibly Damaging"; Align-GVGD: "Class C0"). In summary, the available evidence is currently insufficient to determine the role of this variant in disease. Therefore, it has been classified as a Variant of Uncertain Significance.

NM_001042492.3(NF1):c.2518A>C (p.Met840Leu)

Gene: NF1 (neurofibromin 1; plus strand). Cytogenetic location: 17q11.2.
Variant type: single nucleotide variant.
Coding change: c.2518A>C on transcript NM_001042492.3 (MANE Select); coding-DNA position 2518, A replaced by C.
Protein change: p.Met840Leu; replaces methionine 840 with leucine.
Molecular consequence: missense variant.
Genome position (GRCh38, 1-based): chr17:31,229,133, A>C. VCF-style: chr17-31229133-A-C. GRCh37 (hg19) VCF-style: chr17-29556151-A-C.
Other names: c.2518A>C, p.Met840Leu (NM_000267.4); short protein forms M840L.
Identifiers: ClinVar variation 956004 (VCV000956004.6), dbSNP rs779931789, ClinGen allele CA8485995.
Genomic context (GRCh38, chr17:31,229,133, plus strand): 5'-GTGAGTGGAGGAGGATCCATAGATTTGTCTGACACAGACTCCCTACAGGAATGGATCAAC[A>C]TGACTGGCTTCCTTTGTGCCCTTGGGGGAGTGTGCCTCCAGCAGAGAAGCAATTCTGGCC-3'
Protein context (NP_001035957.1, residues 830-850): DTDSLQEWIN[Met840Leu]TGFLCALGGV